The following is an entry in ClinVar:

NM_001289125.3(IFNAR2):c.1419C>T (p.Ser473=)

Genes: IFNAR2 (interferon alpha and beta receptor subunit 2; plus strand), IFNAR2-IL10RB (IFNAR2-IL10RB readthrough; plus strand). Cytogenetic location: 21q22.11.
Variant type: single nucleotide variant.
Coding change: c.1419C>T on transcript NM_001289125.3 (MANE Select); coding-DNA position 1419, C replaced by T.
Protein change: p.Ser473=; no amino-acid change (serine 473 retained).
Molecular consequence: synonymous variant. On other transcripts: 3 prime UTR variant (5), intron variant (1).
Genome position (GRCh38, 1-based): chr21:33,263,371, C>T. VCF-style: chr21-33263371-C-T. GRCh37 (hg19) VCF-style: chr21-34635676-C-T.
Other names: c.*655C>T (NM_000874.5, NM_207584.3); c.*568C>T (NM_001289126.2, NM_001289128.2); c.*794C>T (NM_001385054.1); c.1419C>T, p.Ser473= (NM_207585.3); c.1318+101C>T (NM_001385055.1).
Identifiers: ClinVar variation 1633202 (VCV001633202.33), dbSNP rs146627373, ClinGen allele CA10005981.

ClinVar aggregate classification (germline): Likely benign. Review status: criteria provided, multiple submitters, no conflicts (2 of 4 stars). 3 submissions from 3 submitters: Likely benign (3). Last evaluated 2026-01-02.

Allele frequency attached by ClinVar (database versions not stated): gnomAD exomes 0.00010; ExAC 0.00012; 1000 Genomes Project 30x 0.00016; 1000 Genomes Project 0.00020; gnomAD 0.00024 and 0.00026; TOPMed 0.00032; ESP Exome Variant Server 0.00062.
gnomAD v4.1: 115 of 1,614,062 alleles (0.0071%); highest among the groups gnomAD compares: African/African-American, 0.064%; no homozygotes.

Submissions (3):

Labcorp Genetics (formerly Invitae), Labcorp
Classification: Likely benign. Last evaluated: 2026-01-02. Review status: criteria provided, single submitter. Criteria: Invitae Variant Classification Sherloc (09022015). Collection method: clinical testing. Allele origin: germline.

Blueprint Genetics
Classification: Likely benign. Last evaluated: 2024-10-15. Review status: criteria provided, single submitter. Criteria: ACMG Guidelines, 2015. Collection method: clinical testing. Allele origin: germline.

CeGaT Center for Human Genetics Tuebingen
Classification: Likely benign. Last evaluated: 2022-04-01. Review status: criteria provided, single submitter. Criteria: CeGaT Center For Human Genetics Tuebingen Variant Classification Criteria Version 2. Collection method: clinical testing. Allele origin: germline. Affected: yes. Observed: 1 variant allele.
Comment: IFNAR2: BP4, BP7